The following is an entry in ClinVar:

ClinVar aggregate classification (germline): Uncertain significance (1 of 4 stars; one submission).

gnomAD v4.1: 4 of 1,614,168 alleles (0.00025%); highest among the groups gnomAD compares: Non-Finnish European, 0.00034%; no homozygotes.

Submission:

GeneDx
Classification: Uncertain significance. Last evaluated: 2026-03-24. Review status: criteria provided, single submitter. Criteria: GeneDx Variant Classification Process June 2021. Collection method: clinical testing. Allele origin: germline.
Comment: In silico analysis suggests that this missense variant does not alter protein structure/function; Has not been previously published as pathogenic or benign to our knowledge

NM_022575.4(VPS16):c.1958C>T (p.Thr653Ile)

Genes: PTPRA (protein tyrosine phosphatase receptor type A; plus strand), VPS16 (VPS16 core subunit of CORVET and HOPS complexes; plus strand). Cytogenetic location: 20p13.
Variant type: single nucleotide variant.
Coding change: c.1958C>T on transcript NM_022575.4 (MANE Select); coding-DNA position 1958, C replaced by T.
Protein change: p.Thr653Ile; replaces threonine 653 with isoleucine.
Molecular consequence: missense variant. On other transcripts: 5 prime UTR variant (1).
Genome position (GRCh38, 1-based): chr20:2,865,009, C>T. VCF-style: chr20-2865009-C-T. GRCh37 (hg19) VCF-style: chr20-2845655-C-T.
Other names: c.-345C>T (NM_002836.4); c.1526C>T, p.Thr509Ile (NM_080413.3); short protein forms T509I, T653I.
Identifiers: ClinVar variation 5017391 (VCV005017391.1).